The following is an entry in ClinVar:

NM_000057.4(BLM):c.271A>G (p.Lys91Glu)

Gene: BLM (BLM RecQ like helicase; plus strand). Cytogenetic location: 15q26.1.
Variant type: single nucleotide variant.
Coding change: c.271A>G on transcript NM_000057.4 (MANE Select); coding-DNA position 271, A replaced by G.
Protein change: p.Lys91Glu; replaces lysine 91 with glutamic acid.
Molecular consequence: missense variant. On other transcripts: 5 prime UTR variant (1).
Genome position (GRCh38, 1-based): chr15:90,749,539, A>G. VCF-style: chr15-90749539-A-G. GRCh37 (hg19) VCF-style: chr15-91292769-A-G.
Other names: c.271A>G, p.Lys91Glu (NM_001287246.2, NM_001287247.2); c.-1021A>G (NM_001287248.2); short protein forms K91E.
Identifiers: ClinVar variation 2859407 (VCV002859407.4), dbSNP rs2505391225, ClinGen allele CA393840085.
Genomic context (GRCh38, chr15:90,749,539, plus strand): 5'-TTTTCCTTCAGTGAACCTCTACCCAACACCACAAATCAGCAAAGGGTCAAGGACTTCTTT[A>G]AAAATGCTCCAGCAGGACAGGAAACACAGAGAGGTGGATCAAAATCATTATTGCCAGATT-3'
Protein context (NP_000048.1, residues 81-101): TNQQRVKDFF[Lys91Glu]NAPAGQETQR

ClinVar aggregate classification (germline): Uncertain significance. Review status: criteria provided, multiple submitters, no conflicts (2 of 4 stars). 2 submissions from 2 submitters: Uncertain significance (2). Last evaluated 2025-11-13.

Conditions:
Hereditary cancer-predisposing syndrome. Also called: Neoplastic Syndromes, Hereditary; Hereditary neoplastic syndrome; Tumor predisposition; Hereditary Cancer Syndrome. Identifiers: Orphanet 140162, MedGen C0027672, MeSH D009386, MONDO:0015356.
Bloom syndrome (BLM). Also called: Bloom-Torre-Machacek syndrome. Identifiers: Orphanet 125, MedGen C0005859, MONDO:0008876, OMIM 210900.

Submissions (2):

Ambry Genetics
Classification: Uncertain significance for Hereditary cancer-predisposing syndrome. Last evaluated: 2025-11-13. Review status: criteria provided, single submitter. Criteria: Ambry Variant Classification Scheme 2023. Collection method: clinical testing. Allele origin: germline.

Labcorp Genetics (formerly Invitae), Labcorp
Classification: Uncertain significance for Bloom syndrome. Last evaluated: 2024-06-26. Review status: criteria provided, single submitter. Criteria: Invitae Variant Classification Sherloc (09022015). Collection method: clinical testing. Allele origin: germline.
Comment: This sequence change replaces lysine, which is basic and polar, with glutamic acid, which is acidic and polar, at codon 91 of the BLM protein (p.Lys91Glu). This variant is not present in population databases (gnomAD no frequency). This variant has not been reported in the literature in individuals affected with BLM-related conditions. Algorithms developed to predict the effect of missense changes on protein structure and function output the following: SIFT: "Not Available"; PolyPhen-2: "Benign"; Align-GVGD: "Not Available". The glutamic acid amino acid residue is found in multiple mammalian species, which suggests that this missense change does not adversely affect protein function. In summary, the available evidence is currently insufficient to determine the role of this variant in disease. Therefore, it has been classified as a Variant of Uncertain Significance.